The following is an entry in ClinVar:

ClinVar aggregate classification (germline): Uncertain significance (1 of 4 stars; one submission).

Conditions:
Hereditary cancer-predisposing syndrome. Also called: Neoplastic Syndromes, Hereditary; Tumor predisposition; Hereditary neoplastic syndrome; Hereditary Cancer Syndrome. Identifiers: Orphanet 140162, MedGen C0027672, MeSH D009386, MONDO:0015356.

Submission:

Ambry Genetics
Classification: Uncertain significance for Hereditary cancer-predisposing syndrome. Last evaluated: 2026-07-06. Review status: criteria provided, single submitter. Criteria: Ambry Variant Classification Scheme 2023. Collection method: clinical testing. Allele origin: germline.
Comment: The p.S468P variant (also known as c.1402T>C), located in coding exon 3 of the MET gene, results from a T to C substitution at nucleotide position 1402. The serine at codon 468 is replaced by proline, an amino acid with similar properties. This amino acid position is conserved. In addition, the in silico prediction for this alteration is inconclusive. Based on the available evidence, the clinical significance of this variant remains unclear.

NM_000245.4(MET):c.1402T>C (p.Ser468Pro)

Gene: MET (MET proto-oncogene, receptor tyrosine kinase; plus strand). Cytogenetic location: 7q31.2.
Variant type: single nucleotide variant.
Coding change: c.1402T>C on transcript NM_000245.4 (MANE Select); coding-DNA position 1402, T replaced by C.
Protein change: p.Ser468Pro; replaces serine 468 with proline.
Molecular consequence: missense variant.
Genome position (GRCh38, 1-based): chr7:116,739,959, T>C. VCF-style: chr7-116739959-T-C. GRCh37 (hg19) VCF-style: chr7-116380013-T-C.
Other names: c.1402T>C, p.Ser468Pro (NM_001127500.3, NM_001324401.3); c.112T>C, p.Ser38Pro (NM_001324402.2); short protein forms S468P, S38P.
Identifiers: ClinVar variation 5024361 (VCV005024361.1).
Genomic context (GRCh38, chr7:116,739,959, plus strand): 5'-TTTAAACTGAGCTTGTTGGAATAAGGATGTTATAACTTTTTTGCTGTTTAGGTTGTGGTT[T>C]CTCGATCAGGACCATCAACCCCTCATGTGAATTTTCTCCTGGACTCCCATCCAGTGTCTC-3'
Protein context (NP_000236.2, residues 458-478): SEGRFMQVVV[Ser468Pro]RSGPSTPHVN